The following is an entry in ClinVar:

ClinVar aggregate classification (germline): Likely benign. Review status: criteria provided, multiple submitters, no conflicts (2 of 4 stars). 6 submissions from 6 submitters: Likely benign (5). 1 of the submissions does not count toward it. Last evaluated 2025-11-11.

Conditions:
ACD-related disorder. Also called: ACD-related condition.
Inborn genetic diseases. Identifiers: MedGen C0950123, MeSH D030342.
Dyskeratosis congenita, autosomal dominant 6 (DKCA6). Identifiers: Orphanet 3322, MedGen C4225284, MONDO:0014690, OMIM 616553.

Allele frequency attached by ClinVar (database versions not stated): TOPMed 0.00004; ExAC 0.00006; gnomAD exomes 0.00004; gnomAD 0.00004.

Submissions (6):

Labcorp Genetics (formerly Invitae), Labcorp
Classification: Likely benign for Dyskeratosis congenita, autosomal dominant 6. Last evaluated: 2025-11-11. Review status: criteria provided, single submitter. Criteria: Invitae Variant Classification Sherloc (09022015). Collection method: clinical testing. Allele origin: germline.

Center for Genomic Medicine, Rigshospitalet, Copenhagen University Hospital
Classification: Likely benign. Last evaluated: 2025-03-04. Review status: criteria provided, single submitter. Criteria: ACMG Guidelines, 2015. Collection method: clinical testing. Allele origin: germline.

Blueprint Genetics
Classification: Likely benign. Last evaluated: 2024-08-06. Review status: criteria provided, single submitter. Criteria: ACMG Guidelines, 2015. Collection method: clinical testing. Allele origin: germline.

Ambry Genetics
Classification: Likely benign for Inborn genetic diseases. Last evaluated: 2023-02-25. Review status: criteria provided, single submitter. Criteria: Ambry Variant Classification Scheme 2023. Collection method: clinical testing. Allele origin: germline.

Genetic Services Laboratory, University of Chicago
Classification: Likely benign. Last evaluated: 2020-03-19. Review status: criteria provided, single submitter. Criteria: ACMG Guidelines, 2015. Collection method: clinical testing. Allele origin: germline. Affected: no.

PreventionGenetics, part of Exact Sciences
Classification: Likely benign for ACD-related condition. Last evaluated: 2019-09-17. Review status: no assertion criteria provided. Collection method: clinical testing. Allele origin: germline. Not counted in ClinVar's aggregate classification.
Comment: This variant is classified as likely benign based on ACMG/AMP sequence variant interpretation guidelines (Richards et al. 2015 PMID: 25741868, with internal and published modifications).

NM_001082486.2(ACD):c.513T>G (p.Leu171=)

Gene: ACD (ACD shelterin complex subunit and telomerase recruitment factor; minus strand). Cytogenetic location: 16q22.1.
Variant type: single nucleotide variant.
Coding change: c.513T>G on transcript NM_001082486.2 (MANE Select); coding-DNA position 513, T replaced by G.
Protein change: p.Leu171=; no amino-acid change (leucine 171 retained).
Molecular consequence: synonymous variant.
Genome position (GRCh38, 1-based): chr16:67,659,060, A>C on the plus strand (T>G on the coding strand, the complement: ACD is on the minus strand). VCF-style: chr16-67659060-A-C. GRCh37 (hg19) VCF-style: chr16-67692963-A-C.
Other names: c.504T>G, p.Leu168= (NM_022914.3).
Identifiers: ClinVar variation 1090696 (VCV001090696.19), dbSNP rs755523137, ClinGen allele CA8114632.